The following is an entry in ClinVar:

ClinVar aggregate classification (germline): Likely pathogenic (1 of 4 stars; one submission).

Conditions:
Autosomal recessive nonsyndromic hearing loss 84B. Also called: Deafness, autosomal recessive 84b. Identifiers: Orphanet 90636, MedGen C3554159, MONDO:0013984, OMIM 614944.

gnomAD v4.1: 1 of 1,573,384 alleles (0.000064%); highest among the groups gnomAD compares: East Asian, 0.0023%; no homozygotes.

Submission:

Institute of Rare Diseases, West China Hospital, Sichuan University
Classification: Likely pathogenic for Autosomal recessive nonsyndromic hearing loss 84B. Last evaluated: 2025-01-09. Review status: criteria provided, single submitter. Criteria: ClinGen HL ACMG Specifications v1. Collection method: research. Allele origin: germline. Affected: yes.
Comment: PVS1;PM2_Supporting

NM_001378609.3(OTOGL):c.168+1G>A

Gene: OTOGL (otogelin like; plus strand). Cytogenetic location: 12q21.31.
Variant type: single nucleotide variant.
Coding change: c.168+1G>A on transcript NM_001378609.3 (MANE Select); the canonical splice donor site of the intron after coding-DNA position 168, G replaced by A.
Molecular consequence: splice donor variant.
Genome position (GRCh38, 1-based): chr12:80,211,998, G>A. VCF-style: chr12-80211998-G-A. GRCh37 (hg19) VCF-style: chr12-80605778-G-A.
Other names: c.168+1G>A (NM_001368062.3, NM_001378610.3, NM_173591.7).
Identifiers: ClinVar variation 3601563 (VCV003601563.1).